The following is an entry in ClinVar:

NM_000939.4(POMC):c.343C>G (p.Pro115Ala)

Gene: POMC (proopiomelanocortin; minus strand). Cytogenetic location: 2p23.3.
Variant type: single nucleotide variant.
Coding change: c.343C>G on transcript NM_000939.4 (MANE Select); coding-DNA position 343, C replaced by G.
Protein change: p.Pro115Ala; replaces proline 115 with alanine.
Molecular consequence: missense variant.
Genome position (GRCh38, 1-based): chr2:25,161,542, G>C on the plus strand (C>G on the coding strand, the complement: POMC is on the minus strand). VCF-style: chr2-25161542-G-C. GRCh37 (hg19) VCF-style: chr2-25384411-G-C.
Other names: c.343C>G, p.Pro115Ala (NM_001035256.3, NM_001319204.2, NM_001319205.2); short protein forms P115A.
Identifiers: ClinVar variation 3345742 (VCV003345742.1).

ClinVar aggregate classification (germline): Uncertain significance (0 of 4 stars; one submission).

Conditions:
POMC-related disorder. Also called: POMC-related condition; POMC-related disorders.

Submission:

PreventionGenetics, part of Exact Sciences
Classification: Uncertain significance for POMC-related condition. Last evaluated: 2024-05-08. Review status: no assertion criteria provided. Collection method: clinical testing. Allele origin: germline.
Comment: The POMC c.343C>G variant is predicted to result in the amino acid substitution p.Pro115Ala. To our knowledge, this variant has not been reported in the literature or in a large population database, indicating this variant is rare. At this time, the clinical significance of this variant is uncertain due to the absence of conclusive functional and genetic evidence.